The following is an entry in ClinVar:

ClinVar aggregate classification (germline): Likely benign (1 of 4 stars; one submission).

Allele frequency attached by ClinVar (database versions not stated): TOPMed 0.00006; ExAC 0.00007; ESP Exome Variant Server 0.00008; gnomAD 0.00008; 1000 Genomes Project 0.00020; 1000 Genomes Project 30x 0.00031.
gnomAD v4.1: 99 of 1,613,876 alleles (0.0061%); highest among the groups gnomAD compares: South Asian, 0.024%; no homozygotes.

Submission:

CeGaT Center for Human Genetics Tuebingen
Classification: Likely benign. Last evaluated: 2023-04-01. Review status: criteria provided, single submitter. Criteria: CeGaT Center For Human Genetics Tuebingen Variant Classification Criteria Version 2. Collection method: clinical testing. Allele origin: germline. Affected: yes. Observed: 1 variant allele.
Comment: IGF2R: BP4, BP7

NM_000876.4(IGF2R):c.5130C>T (p.Ala1710=)

Gene: IGF2R (insulin like growth factor 2 receptor; plus strand). Cytogenetic location: 6q25.3.
Variant type: single nucleotide variant.
Coding change: c.5130C>T on transcript NM_000876.4 (MANE Select); coding-DNA position 5130, C replaced by T.
Protein change: p.Ala1710=; no amino-acid change (alanine 1710 retained).
Molecular consequence: synonymous variant.
Genome position (GRCh38, 1-based): chr6:160,073,939, C>T. VCF-style: chr6-160073939-C-T. GRCh37 (hg19) VCF-style: chr6-160494971-C-T.
Identifiers: ClinVar variation 2657108 (VCV002657108.24), dbSNP rs375820648, ClinGen allele CA4082818.